The following is an entry in ClinVar:

ClinVar aggregate classification (germline): Likely benign. Review status: criteria provided, multiple submitters, no conflicts (2 of 4 stars). 3 submissions from 3 submitters: Likely benign (3). Last evaluated 2026-09-21.

Conditions:
PLG-related disorder. Also called: PLG-related condition.

Allele frequency attached by ClinVar (database versions not stated): 1000 Genomes Project 30x 0.00062; 1000 Genomes Project 0.00080.
gnomAD v4.1: 219 of 1,613,758 alleles (0.014%); highest among the groups gnomAD compares: East Asian, 0.32%; no homozygotes.

Submissions (3):

PreventionGenetics, part of Exact Sciences
Classification: Likely benign for PLG-related condition. Last evaluated: 2026-09-21. Review status: criteria provided, single submitter. Criteria: ACMG Guidelines, 2015. Collection method: clinical testing. Allele origin: germline.
Comment: This variant is classified as likely benign based on ACMG/AMP sequence variant interpretation guidelines (Richards et al. 2015 PMID: 25741868, with internal and published modifications).

Labcorp Genetics (formerly Invitae), Labcorp
Classification: Likely benign. Last evaluated: 2025-12-29. Review status: criteria provided, single submitter. Criteria: Invitae Variant Classification Sherloc (09022015). Collection method: clinical testing. Allele origin: germline.

Women's Health and Genetics/Laboratory Corporation of America, LabCorp
Classification: Likely benign. Last evaluated: 2022-09-24. Review status: criteria provided, single submitter. Criteria: LabCorp Variant Classification Summary - May 2015. Collection method: clinical testing. Allele origin: germline.
Comment: Variant summary: PLG c.1024G>A (p.Val342Met) results in a conservative amino acid change located in the Kringle domain (IPR000001) of the encoded protein sequence. Five of five in-silico tools predict a benign effect of the variant on protein function. The variant allele was found at a frequency of 0.00043 in 251020 control chromosomes (gnomAD), predominantly at a frequency of 0.0053 within the East Asian subpopulation in the gnomAD database, including 1 homozygote. The observed variant frequency within East Asian control individuals in the gnomAD database is approximately 5 fold of the estimated maximal expected allele frequency for a pathogenic variant in PLG causing Plasminogen Deficiency (0.0011), strongly suggesting that the variant is a benign polymorphism found primarily in populations of East Asian origin. c.1024G>A has been reported in the literature in one individual affected with atypical Hemolytic-Uremic syndrome (Tanaka_2020), providing no conclusions about association of the variant with Plasminogen Deficiency. To our knowledge, no experimental evidence demonstrating an impact on protein function has been reported. No clinical diagnostic laboratories have submitted clinical-significance assessments for this variant to ClinVar after 2014. Based on the evidence outlined above, the variant was classified as likely benign.

Literature cited by the submitters: PubMed 32240525 (cited by Women's Health and Genetics/Laboratory Corporation of America, LabCorp).

NM_000301.5(PLG):c.1024G>A (p.Val342Met)

Gene: PLG (plasminogen; plus strand). Cytogenetic location: 6q26.
Variant type: single nucleotide variant.
Coding change: c.1024G>A on transcript NM_000301.5 (MANE Select); coding-DNA position 1024, G replaced by A.
Protein change: p.Val342Met; replaces valine 342 with methionine.
Molecular consequence: missense variant.
Genome position (GRCh38, 1-based): chr6:160,718,766, G>A. VCF-style: chr6-160718766-G-A. GRCh37 (hg19) VCF-style: chr6-161139798-G-A.
Other names: short protein forms V342M.
Identifiers: ClinVar variation 1722345 (VCV001722345.7), dbSNP rs199771790, ClinGen allele CA4087647.